The following is an entry in ClinVar:

NM_000257.4(MYH7):c.3981C>A (p.Asn1327Lys)

Gene: MYH7 (myosin heavy chain 7; minus strand). Cytogenetic location: 14q11.2.
Variant type: single nucleotide variant.
Coding change: c.3981C>A on transcript NM_000257.4 (MANE Select); coding-DNA position 3981, C replaced by A.
Protein change: p.Asn1327Lys; replaces asparagine 1327 with lysine.
Molecular consequence: missense variant.
Genome position (GRCh38, 1-based): chr14:23,418,398, G>T on the plus strand (C>A on the coding strand, the complement: MYH7 is on the minus strand). VCF-style: chr14-23418398-G-T. GRCh37 (hg19) VCF-style: chr14-23887607-G-T.
Other names: p.N1327K:AAC>AAA; NM_000257.3(MYH7):c.3981C>A; short protein forms N1327K.
Identifiers: ClinVar variation 36641 (VCV000036641.48), dbSNP rs141764279, ClinGen allele CA014310.

ClinVar aggregate classification (germline): Likely benign. Review status: reviewed by expert panel (3 of 4 stars). 23 submissions from 21 submitters: Likely benign (1). 22 of the submissions do not count toward it. Last evaluated 2020-04-24.

Conditions:
MYH7-related disorder. Also called: MYH7-related condition; MYH7-related disease; MYH7-related disorders.
Myosin storage myopathy (CMYO7A). Also called: MYH7-related late-onset scapuloperoneal muscular dystrophy; Congenital myopathy 7A, myosin storage, autosomal dominant; MYOPATHY, HYALINE BODY, AUTOSOMAL DOMINANT; Scapuloperoneal myopathy, MYH7-related; MYOPATHY WITH LYSIS OF TYPE I MYOFIBRILS; SCAPULOPERONEAL MUSCULAR DYSTROPHY. Identifiers: Orphanet 437572, Orphanet 636965, MedGen C1842160, MONDO:0008409, OMIM 608358.
Hypertrophic cardiomyopathy 1 (CMH1). Also called: Familial hypertrophic cardiomyopathy 1; MYH7-Related Familial Hypertrophic Cardiomyopathy. Identifiers: MedGen C3495498, MONDO:0008647, OMIM 192600.
Congenital myopathy with fiber type disproportion. Also called: Congenital fiber-type disproportion; Congenital fiber-type disproportion myopathy. Identifiers: Orphanet 2020, MedGen C0546264, MONDO:0009711. Inheritance: all.
Dilated cardiomyopathy 1S (CMD1S). Identifiers: Orphanet 154, Orphanet 54260, MedGen C1834481, MONDO:0013262, OMIM 613426.
MYH7-related skeletal myopathy. Also called: MYOPATHY, DISTAL, EARLY-ONSET, AUTOSOMAL DOMINANT; MYOPATHY, LATE DISTAL HEREDITARY; Laing early-onset distal myopathy; Laing distal myopathy; Myopathy, distal, 1. Identifiers: Orphanet 59135, MedGen C4552004, MONDO:0008050, OMIM 160500.
Myopathy, myosin storage, autosomal recessive (CMYO7B). Also called: CONGENITAL MYOPATHY 7B, MYOSIN STORAGE, AUTOSOMAL RECESSIVE. Identifiers: Orphanet 636970, MedGen C1850709, MONDO:0009708, OMIM 255160.
Cardiovascular phenotype. Identifiers: MedGen CN230736.
Ventricular fibrillation. Identifiers: MedGen C0042510, MONDO:0000190, HP:0001663.
Cardiomyopathy (CMYO). Also called: Cardiomyopathies. Identifiers: Orphanet 167848, MedGen C0878544, MONDO:0004994, HP:0001638. Inheritance: Various modes of inheritance.
Primary familial hypertrophic cardiomyopathy (HCM). Identifiers: Orphanet 99739, MedGen C0949658, MeSH D024741, MONDO:0024573. Inheritance: Various modes of inheritance.
Hypertrophic cardiomyopathy. Also called: HYPERTROPHIC MYOCARDIOPATHY. Identifiers: Orphanet 217569, MedGen C0007194, MeSH D002312, MONDO:0005045, HP:0001639.

Allele frequency attached by ClinVar (database versions not stated): ESP Exome Variant Server 0.00008; TOPMed 0.00011.
gnomAD v4.1: 82 of 1,606,190 alleles (0.0051%); highest among the groups gnomAD compares: Non-Finnish European, 0.00094%; no homozygotes.

Submissions 1 to 12 of 23:

ClinGen Cardiomyopathy Variant Curation Expert Panel
Classification: Likely benign for Hypertrophic cardiomyopathy. Last evaluated: 2020-04-24. Review status: reviewed by expert panel. Criteria: ClinGen CMP ACMG Specifications v1. Collection method: curation. Allele origin: germline. Inheritance: Autosomal dominant inheritance.
Comment: The c.3981C>A (p.Asn1327Lys) variant in MYH7 has been identified in 0.16% (FAF 95% CI; 24/10156) of Ashkenazi Jewish chromosomes in gnomAD v2.1.1, which is a high enough frequency to be classified as benign based on thresholds defined by the ClinGen Inherited Cardiomyopathy Expert Panel (BA1; Kelly 2018 PMID:29300372). Based on criteria selected, this variant should be classified as benign; however, the expert panel felt that since frequency in other populations is not as elevated as in the Ashkenazi Jewish population, it warrants adjusting in the final classification to likely benign. Therefore, this variant is classified as likely benign for cardiomyopathy in an autosomal dominant manner. MYH7-specific ACMG/AMP criteria applied (Kelly 2018 PMID:29300372): BA1 with expert panel adjustment.

Labcorp Genetics (formerly Invitae), Labcorp
Classification: Likely benign for Hypertrophic cardiomyopathy. Last evaluated: 2026-02-04. Review status: criteria provided, single submitter. Criteria: Invitae Variant Classification Sherloc (09022015). Collection method: clinical testing. Allele origin: germline. Not counted in ClinVar's aggregate classification.

Women's Health and Genetics/Laboratory Corporation of America, LabCorp
Classification: Likely benign. Last evaluated: 2025-07-09. Review status: criteria provided, single submitter. Criteria: LabCorp Variant Classification Summary - May 2015. Collection method: clinical testing. Allele origin: germline. Not counted in ClinVar's aggregate classification.
Comment: Variant summary: MYH7 c.3981C>A (p.Asn1327Lys) results in a non-conservative amino acid change in the encoded protein sequence. Algorithms developed to predict the effect of missense changes on protein structure and function all suggest that this variant is likely to be disruptive. The variant allele was found at a frequency of 5.1e-05 in 1540170 control chromosomes, predominantly at a frequency of 0.002 within the Ashkenazi Jewish subpopulation in the gnomAD database. The observed variant frequency within Ashkenazi Jewish control individuals in the gnomAD database is approximately 2 fold of the estimated maximal expected allele frequency for a pathogenic variant in MYH7 causing Hypertrophic Cardiomyopathy phenotype (0.001). c.3981C>A has been observed in individual(s) affected with Hypertrophic Cardiomyopathy as well as healthy controls (e.g. Houghs_2005, Kapplinger_2014, Ng_2013, Park_2022, Miller_2012, Jensen_2013, Xu_2015). One publication reports experimental evidence evaluating an impact on protein function, however, does not allow convincing conclusions about the variant effect (Wolny_2013). The following publications have been ascertained in the context of this evaluation (PMID: 15483641, 23197161, 24510615, 23054336, 23861362, 34542152, 24047955, 26573135). ClinVar contains an entry for this variant (Variation ID: 36641). Based on the evidence outlined above, the variant was classified as likely benign.

Molecular Diagnostic Laboratory for Inherited Cardiovascular Disease, Montreal Heart Institute
Classification: Uncertain significance for Cardiovascular phenotype. Last evaluated: 2025-04-09. Review status: criteria provided, single submitter. Criteria: ACMG Guidelines, 2015. Collection method: clinical testing. Allele origin: germline. Affected: yes. Not counted in ClinVar's aggregate classification.

GeneDx
Classification: Likely benign. Last evaluated: 2024-10-02. Review status: criteria provided, single submitter. Criteria: GeneDx Variant Classification Process June 2021. Collection method: clinical testing. Allele origin: germline. Affected: yes. Not counted in ClinVar's aggregate classification.
Comment: See Variant Classification Assertion Criteria.

Petrovsky National Research Centre of Surgery, The Federal Agency for Scientific Organizations
Classification: Uncertain significance for Primary familial hypertrophic cardiomyopathy. Last evaluated: 2024-05-04. Review status: criteria provided, single submitter. Criteria: ACMG Guidelines, 2015. Collection method: clinical testing. Allele origin: germline. Inheritance: Autosomal dominant inheritance. Affected: yes. Observed: 1 heterozygote. Not counted in ClinVar's aggregate classification.
Comment: Clinvar contains 20 entries for this variant. The variant is described in the literature in 3 patients with hypertrophic cardiomyopathy and in 12 unpublished patients (PS4_supporting). NM_000257.4:c.3981C>A (p.Asn1327Lys) is in the Genome Aggregation Database (gnomAD) v4.1.0 with total MAF=0.00005105 (Date of access 04-05-2024). A functional study supports the effect of this variant on protein (PM1): PMID: 24047955. Most in silico predictors are inconclusive in the results. In accordance with ACMG (2015) criteria this variant is classified as Variant of Uncertain Significance (VUS) with following criteria selected: PS4_supporting, PM1.

Blueprint Genetics
Classification: Likely benign. Last evaluated: 2024-03-02. Review status: criteria provided, single submitter. Criteria: ACMG Guidelines, 2015. Collection method: clinical testing. Allele origin: germline. Not counted in ClinVar's aggregate classification.

All of Us Research Program, National Institutes of Health
Classification: Likely benign for Cardiomyopathy. Last evaluated: 2024-02-05. Review status: criteria provided, single submitter. Criteria: ACMG Guidelines, 2015. Collection method: clinical testing. Allele origin: germline. Inheritance: Autosomal dominant inheritance. Observed: 30 variant alleles, 30 heterozygotes. Not counted in ClinVar's aggregate classification.
Comment: This study involves interpretation of variants in research participants for the purpose of population health screening. Participant phenotype was not available at the time of variant classification. Additional details can be found in publication PMID: 35346344, PMCID: PMC8962531

Ambry Genetics
Classification: Likely benign for Cardiovascular phenotype. Last evaluated: 2019-03-09. Review status: criteria provided, single submitter. Criteria: Ambry Variant Classification Scheme 2023. Collection method: clinical testing. Allele origin: germline. Not counted in ClinVar's aggregate classification.

Fulgent Genetics
Classification: Uncertain significance for MYH7-related skeletal myopathy; Myosin storage myopathy; Hypertrophic cardiomyopathy 1; Myopathy, myosin storage, autosomal recessive; Congenital myopathy 4A, autosomal dominant; Dilated cardiomyopathy 1S. Last evaluated: 2018-10-31. Review status: criteria provided, single submitter. Criteria: ACMG Guidelines, 2015. Collection method: clinical testing. Allele origin: unknown. Not counted in ClinVar's aggregate classification.

Color Diagnostics, LLC DBA Color Health
Classification: Likely benign for Cardiomyopathy. Last evaluated: 2018-10-18. Review status: criteria provided, single submitter. Criteria: ACMG Guidelines, 2015. Collection method: clinical testing. Allele origin: germline. Not counted in ClinVar's aggregate classification.

Center for Advanced Laboratory Medicine, UC San Diego Health, University of California San Diego
Classification: Likely benign for Ventricular fibrillation. Last evaluated: 2018-10-02. Review status: criteria provided, single submitter. Criteria: ACMG Guidelines, 2015. Collection method: clinical testing. Allele origin: germline. Affected: yes. Observed: 1 variant allele. Not counted in ClinVar's aggregate classification.